The following is an entry in ClinVar:

NM_016097.5(IER3IP1):c.92-10C>T

Gene: IER3IP1 (immediate early response 3 interacting protein 1; minus strand). Cytogenetic location: 18q21.1.
Variant type: single nucleotide variant.
Coding change: c.92-10C>T on transcript NM_016097.5 (MANE Select); 10 bases into the intron before coding-DNA position 92, C replaced by T.
Molecular consequence: intron variant.
Genome position (GRCh38, 1-based): chr18:47,157,547, G>A on the plus strand (C>T on the coding strand, the complement: IER3IP1 is on the minus strand). VCF-style: chr18-47157547-G-A. GRCh37 (hg19) VCF-style: chr18-44683918-G-A.
Identifiers: ClinVar variation 759569 (VCV000759569.11), dbSNP rs772039958, ClinGen allele CA8955725.

ClinVar aggregate classification (germline): Conflicting classifications of pathogenicity. Review status: criteria provided, conflicting classifications (1 of 4 stars). 2 submissions from 2 submitters: Uncertain significance (1); Likely benign (1). Last evaluated 2024-05-07.

Conditions:
Microcephaly, epilepsy, and diabetes syndrome. Identifiers: Orphanet 306558, MedGen C3280240, MONDO:0100328.
Microcephaly, epilepsy, and diabetes syndrome 1 (MEDS1). Identifiers: MedGen CN305347, MONDO:0031481, OMIM 614231.

Allele frequency attached by ClinVar (database versions not stated): ExAC 0.00001; gnomAD 0.00001 and 0.00002; gnomAD exomes 0.00001; TOPMed 0.00005; 1000 Genomes Project 30x 0.00016.
gnomAD v4.1: 15 of 1,610,724 alleles (0.00093%); highest among the groups gnomAD compares: East Asian, 0.02%; no homozygotes.

Submissions (2):

Labcorp Genetics (formerly Invitae), Labcorp
Classification: Likely benign for Microcephaly, epilepsy, and diabetes syndrome. Last evaluated: 2024-05-07. Review status: criteria provided, single submitter. Criteria: Invitae Variant Classification Sherloc (09022015). Collection method: clinical testing. Allele origin: germline.

Center for Genomics, Ann and Robert H. Lurie Children's Hospital of Chicago
Classification: Uncertain significance for Microcephaly, epilepsy, and diabetes syndrome 1. Last evaluated: 2022-09-15. Review status: criteria provided, single submitter. Criteria: ACMG Guidelines, 2015. Collection method: clinical testing. Allele origin: germline.
Comment: This variant has not been reported in the literature but is present in the Genome Aggregation Database (Highest reported MAF 0.002% (1/41448). Evolutionary conservation and computational predictive tools for this variant are limited or unavailable. This variant is present in ClinVar (Variation ID:772157). This variant is an intronic variant with no predicted change in the amino acid sequence but may have an unknown effect on splicing. Computational prediction tools do not suggest that it alters splicing. However, further studies are needed to understand its impact. In summary, data on this variant is insufficient for disease classification. Therefore, the clinical significance of this variant is uncertain.